The following is an entry in ClinVar:

Conditions:
Breast-ovarian cancer, familial, susceptibility to, 1 (BROVCA1). Also called: BRCA1 Hereditary Breast and Ovarian Cancer; OVARIAN CANCER, SUSCEPTIBILITY TO. Identifiers: Orphanet 145, MedGen C2676676, MONDO:0011450, OMIM 604370. Disease mechanism: loss of function.

Submission:

Brotman Baty Institute, University of Washington
No classification provided (evidence only). Condition: Breast-ovarian cancer, familial 1. Review status: no classification provided. Collection method: in vitro. Allele origin: not applicable. Functional consequence: functionally_normal.
ClinVar note: "not provided" was previously submitted as the classification for the variant. However, the classification appeared to be based only on an observation of functional data so it was converted to no classification on 2025-07-30.

NM_007294.4(BRCA1):c.5461T>G (p.Phe1821Val)

Gene: BRCA1 (BRCA1 DNA repair associated; minus strand). Cytogenetic location: 17q21.31.
Variant type: single nucleotide variant.
Coding change: c.5461T>G on transcript NM_007294.4 (MANE Select); coding-DNA position 5461, T replaced by G.
Protein change: p.Phe1821Val; replaces phenylalanine 1821 with valine.
Molecular consequence: missense variant. On other transcripts: non-coding transcript variant (1).
Genome position (GRCh38, 1-based): chr17:43,047,649, A>C on the plus strand (T>G on the coding strand, the complement: BRCA1 is on the minus strand). VCF-style: chr17-43047649-A-C. GRCh37 (hg19) VCF-style: chr17-41199666-A-C.
Other names: c.5461T>G, p.Phe1821Val (NM_001407596.1, NM_001407597.1, NM_001407598.1 and 5 more transcripts); c.5458T>G, p.Phe1820Val (NM_001407610.1, NM_001407611.1, NM_001407612.1 and 14 more transcripts); c.5455T>G, p.Phe1819Val (NM_001407627.1, NM_001407628.1, NM_001407629.1 and 13 more transcripts); c.5452T>G, p.Phe1818Val (NM_001407644.1, NM_001407645.1); c.5449T>G, p.Phe1817Val (NM_001407646.1); c.5446T>G, p.Phe1816Val (NM_001407647.1); c.5404T>G, p.Phe1802Val (NM_001407648.1); c.5401T>G, p.Phe1801Val (NM_001407649.1); and 83 more; short protein forms F1821V, F1774V, F717V, F1842V, L692R, F1524V, F1694V, F1749V.
Identifiers: ClinVar variation 868105 (VCV000868105.3), dbSNP rs2050978032, ClinGen allele CA10590442.